The following is an entry in ClinVar:

NM_001367624.2(ZNF469):c.10730G>T (p.Arg3577Met)

Gene: ZNF469 (zinc finger protein 469; plus strand). Cytogenetic location: 16q24.2.
Variant type: single nucleotide variant.
Coding change: c.10730G>T on transcript NM_001367624.2 (MANE Select); coding-DNA position 10730, G replaced by T.
Protein change: p.Arg3577Met; replaces arginine 3577 with methionine.
Molecular consequence: missense variant.
Genome position (GRCh38, 1-based): chr16:88,438,200, G>T. VCF-style: chr16-88438200-G-T. GRCh37 (hg19) VCF-style: chr16-88504608-G-T.
Other names: NM_001127464.1:c.10646G>T; short protein forms R3577M.
Identifiers: ClinVar variation 1781195 (VCV001781195.2), dbSNP rs1906739110, ClinGen allele CA397127582.

ClinVar aggregate classification (germline): Uncertain significance (1 of 4 stars; one submission).

Conditions:
Cardiovascular phenotype. Identifiers: MedGen CN230736.

Allele frequency attached by ClinVar (database versions not stated): TOPMed 0.00001.
gnomAD v4.1: 1 of 1,547,274 alleles (0.000065%); highest among the groups gnomAD compares: Non-Finnish European, 0.000087%; no homozygotes.

Submission:

Ambry Genetics
Classification: Uncertain significance for Cardiovascular phenotype. Last evaluated: 2022-03-25. Review status: criteria provided, single submitter. Criteria: Ambry Variant Classification Scheme 2023. Collection method: clinical testing. Allele origin: germline.
Comment: The p.R3549M variant (also known as c.10646G>T), located in coding exon 2 of the ZNF469 gene, results from a G to T substitution at nucleotide position 10646. The arginine at codon 3549 is replaced by methionine, an amino acid with similar properties. This amino acid position is conserved. In addition, this alteration is predicted to be tolerated by in silico analysis. Since supporting evidence is limited at this time, the clinical significance of this alteration remains unclear.